The following is an entry in ClinVar:

NM_000545.8(HNF1A):c.66C>G (p.Ser22Arg)

Gene: HNF1A (HNF1 homeobox A; plus strand). Cytogenetic location: 12q24.31.
Variant type: single nucleotide variant.
Coding change: c.66C>G on transcript NM_000545.8 (MANE Select); coding-DNA position 66, C replaced by G.
Protein change: p.Ser22Arg; replaces serine 22 with arginine.
Molecular consequence: missense variant.
Genome position (GRCh38, 1-based): chr12:120,978,834, C>G. VCF-style: chr12-120978834-C-G. GRCh37 (hg19) VCF-style: chr12-121416637-C-G.
Other names: NM_001306179.2:c.66C>G; NM_000545.8(HNF1A):c.66C>G; p.Ser22Arg; c.66C>G, p.Ser22Arg (NM_001306179.2, NM_001406915.1); short protein forms S22R.
Identifiers: ClinVar variation 2581122 (VCV002581122.4), dbSNP rs764174318, ClinGen allele CA6831658.

ClinVar aggregate classification (germline): Uncertain significance. Review status: reviewed by expert panel (3 of 4 stars). 2 submissions from 2 submitters: Uncertain significance (1). 1 of the submissions does not count toward it. Last evaluated 2025-01-22.

Conditions:
Monogenic diabetes. Identifiers: Orphanet 183625, MedGen C3888631, MONDO:0015967.

Allele frequency attached by ClinVar (database versions not stated): TOPMed 0.00002; gnomAD exomes 0.00004; ExAC 0.00009; gnomAD 0.00009.
gnomAD v4.1: 80 of 1,613,108 alleles (0.005%); highest among the groups gnomAD compares: African/African-American, 0.0027%; no homozygotes.

Submissions (2):

ClinGen Monogenic Diabetes Variant Curation Expert Panel
Classification: Uncertain significance for Monogenic diabetes. Last evaluated: 2025-01-22. Review status: reviewed by expert panel. Criteria: ClinGen Diabetes ACMG Specifications HNF1A V2.1.0. Collection method: curation. Allele origin: germline. Inheritance: Autosomal dominant inheritance.
Comment: The c.66C>G variant in the HNF1 homeobox A gene, HNF1A, causes an amino acid change of serine to arginine at codon 22 (p.(Ser22Arg)) of NM_000545.8. This variant is predicted to be deleterious by computational evidence, with a REVEL score of 0.758, which is greater than the MDEP VCEP threshold of 0.70 (PP3). This variant is located within the dimerization domain (codons 1-32) of HNF1A, which is defined as critical for the protein’s function by the ClinGen MDEP (PM1_Supporting). Functional studies demonstrated the p.Ser22Arg protein has transactivation below 40% of wildtype, indicating that this variant impacts protein function (PS3_Supporting; PMID: 37798422). The Popmax filtering allele frequency of the c.66C>G variant in gnomAD v2.1.1 is 0.00001134, which falls between ClinGen MDEP-established cutoffs for PM2_Supporting (0.000003) and BS1 (0.000033); thus, neither criterion will be applied. In summary, c.66C>G meets the criteria to be classified as a variant of uncertain significance for monogenic diabetes. ACMG/AMP criteria applied, as specified by the ClinGen MDEP (specification version 2.1.0, approved 8/11/2023): PP4_Moderate, PP3, PM1_Supporting, PS3_Supporting.

Labcorp Genetics (formerly Invitae), Labcorp
Classification: Likely benign. Last evaluated: 2025-12-28. Review status: criteria provided, single submitter. Criteria: Invitae Variant Classification Sherloc (09022015). Collection method: clinical testing. Allele origin: germline. Not counted in ClinVar's aggregate classification.

Literature cited by the submitters: PubMed 37798422 (cited by ClinGen Monogenic Diabetes Variant Curation Expert Panel).